The following is an entry in ClinVar:

ClinVar aggregate classification (germline): Pathogenic/Likely pathogenic. Review status: criteria provided, multiple submitters, no conflicts (2 of 4 stars). 2 submissions from 2 submitters: Pathogenic (1); Likely pathogenic (1). Last evaluated 2025-12-15.

Allele frequency attached by ClinVar (database versions not stated): TOPMed 0.00001; gnomAD 0.00001; gnomAD exomes 0.00001.
gnomAD v4.1: 10 of 1,613,396 alleles (0.00062%); highest among the groups gnomAD compares: African/African-American, 0.0013%; no homozygotes.

Submissions (2):

Dasa
Classification: Likely pathogenic. Last evaluated: 2025-12-15. Review status: criteria provided, single submitter. Criteria: DASA Assertion Criteria. Collection method: clinical testing. Allele origin: germline.
Comment: NM_173630.4(RTTN):c.1885C>T (p.Arg629*) introduces a premature termination codon predicted to result in loss of normal protein function. Loss-of-function is an established mechanism of disease for this gene. The variant is present at low frequency in population datasets. Based on the available data, this variant is classified as likely pathogenic.

Labcorp Genetics (formerly Invitae), Labcorp
Classification: Pathogenic. Last evaluated: 2023-04-18. Review status: criteria provided, single submitter. Criteria: Invitae Variant Classification Sherloc (09022015). Collection method: clinical testing. Allele origin: germline.
Comment: This sequence change creates a premature translational stop signal (p.Arg629*) in the RTTN gene. It is expected to result in an absent or disrupted protein product. Loss-of-function variants in RTTN are known to be pathogenic (PMID: 26608784, 26846091). The frequency data for this variant in the population databases is considered unreliable, as metrics indicate poor data quality at this position in the gnomAD database. This variant has not been reported in the literature in individuals affected with RTTN-related conditions. For these reasons, this variant has been classified as Pathogenic.

Literature cited by the submitters: PubMed 26608784 (cited by Labcorp Genetics (formerly Invitae), Labcorp); PubMed 26846091 (cited by Labcorp Genetics (formerly Invitae), Labcorp).

NM_173630.4(RTTN):c.1885C>T (p.Arg629Ter)

Gene: RTTN (rotatin; minus strand). Cytogenetic location: 18q22.2.
Variant type: single nucleotide variant.
Coding change: c.1885C>T on transcript NM_173630.4 (MANE Select); coding-DNA position 1885, C replaced by T.
Protein change: p.Arg629Ter; replaces arginine 629 with a stop codon.
Molecular consequence: nonsense. On other transcripts: 5 prime UTR variant (1).
Genome position (GRCh38, 1-based): chr18:70,166,106, G>A on the plus strand (C>T on the coding strand, the complement: RTTN is on the minus strand). VCF-style: chr18-70166106-G-A. GRCh37 (hg19) VCF-style: chr18-67833342-G-A.
Other names: c.-763C>T (NM_001318520.2); short protein forms R629*.
Identifiers: ClinVar variation 2998897 (VCV002998897.4), dbSNP rs888852861, ClinGen allele CA301935855.